The following is an entry in ClinVar:

NM_001378452.1(ITPR1):c.7647C>G (p.His2549Gln)

Genes: ITPR1 (inositol 1,4,5-trisphosphate receptor type 1; plus strand), LOC126806590 (MED14-independent group 3 enhancer GRCh37_chr3:4855759-4856958; plus strand). Cytogenetic location: 3p26.1.
Variant type: single nucleotide variant.
Coding change: c.7647C>G on transcript NM_001378452.1 (MANE Select); coding-DNA position 7647, C replaced by G.
Protein change: p.His2549Gln; replaces histidine 2549 with glutamine.
Molecular consequence: missense variant.
Genome position (GRCh38, 1-based): chr3:4,814,508, C>G. VCF-style: chr3-4814508-C-G. GRCh37 (hg19) VCF-style: chr3-4856192-C-G.
Other names: c.7503C>G, p.His2501Gln (NM_001099952.4); c.7602C>G, p.His2534Gln (NM_001168272.2); c.7458C>G, p.His2486Gln (NM_002222.7); short protein forms H2486Q, H2501Q, H2534Q, H2549Q.
Identifiers: ClinVar variation 4976399 (VCV004976399.1).
Genomic context (GRCh38, chr3:4,814,508, plus strand): 5'-ACAGGATAAAGAGCACACATGTGAGACGCTGCTGATGTGCATTGTCACTGTGCTGAGTCA[C>G]GGGCTGCGGAGCGGGGGTGGAGTAGGAGATGTACTCAGGAAGCCGTCCAAAGAGGTAAAT-3'
Protein context (NP_001365381.1, residues 2539-2559): LLMCIVTVLS[His2549Gln]GLRSGGGVGD

ClinVar aggregate classification (germline): Uncertain significance (1 of 4 stars; one submission).

Submission:

GeneDx
Classification: Uncertain significance. Last evaluated: 2026-02-10. Review status: criteria provided, single submitter. Criteria: GeneDx Variant Classification Process June 2021. Collection method: clinical testing. Allele origin: germline.
Comment: Not observed at significant frequency in large population cohorts (gnomAD); In silico analysis suggests that this missense variant does not alter protein structure/function; Has not been previously published as pathogenic or benign to our knowledge